The following is an entry in ClinVar:

ClinVar aggregate classification (germline): Pathogenic (1 of 4 stars; one submission).

Conditions:
BAP1-related tumor predisposition syndrome (TPDS1). Also called: BAP1 tumor predisposition syndrome; Tumor susceptibility linked to germline BAP1 mutations; COMMON Syndrome; TUMOR PREDISPOSITION SYNDROME 1. Identifiers: Orphanet 289539, MedGen C3280492, MONDO:0013692, OMIM 614327.

Submission:

Myriad Genetics, Inc.
Classification: Pathogenic for BAP1-related tumor predisposition syndrome. Last evaluated: 2023-05-17. Review status: criteria provided, single submitter. Criteria: Myriad Autosomal Dominant, Autosomal Recessive and X-Linked Classification Criteria (2023). Collection method: clinical testing. Allele origin: unknown.
Comment: This variant is considered pathogenic. This variant creates a termination codon and is predicted to result in premature protein truncation.

NM_004656.4(BAP1):c.112A>T (p.Lys38Ter)

Gene: BAP1 (BRCA1 associated deubiquitinase 1; minus strand). Cytogenetic location: 3p21.1.
Variant type: single nucleotide variant.
Coding change: c.112A>T on transcript NM_004656.4 (MANE Select); coding-DNA position 112, A replaced by T.
Protein change: p.Lys38Ter; replaces lysine 38 with a stop codon.
Molecular consequence: nonsense.
Genome position (GRCh38, 1-based): chr3:52,409,564, T>A on the plus strand (A>T on the coding strand, the complement: BAP1 is on the minus strand). VCF-style: chr3-52409564-T-A. GRCh37 (hg19) VCF-style: chr3-52443580-T-A.
Other names: c.112A>T, p.Lys38Ter (NM_001410772.1); short protein forms K38*.
Identifiers: ClinVar variation 2583596 (VCV002583596.2), dbSNP rs2153228515, ClinGen allele CA353114527.